The following is an entry in ClinVar:

NM_000059.4(BRCA2):c.862_865delinsTCAC (p.Pro288_Asn289delinsSerHis)

Gene: BRCA2 (BRCA2 DNA repair associated; plus strand). Cytogenetic location: 13q13.1.
Variant type: Indel.
Coding change: c.862_865delinsTCAC on transcript NM_000059.4 (MANE Select); coding-DNA positions 862 to 865, CCAA replaced by TCAC.
Protein change: p.Pro288_Asn289delinsSerHis.
Molecular consequence: missense variant. On other transcripts: non-coding transcript variant (1), intron variant (1).
Genome position (GRCh38, 1-based): chr13:32,332,340-32,332,343, CCAA replaced by TCAC. VCF-style: chr13-32332340-CCAA-TCAC. GRCh37 (hg19) VCF-style: chr13-32906477-CCAA-TCAC.
Other names: c.862_865delinsTCAC, p.Pro288_Asn289delinsSerHis (NM_001406719.1, NM_001406720.1, NM_001406721.1 and 1 more transcripts); c.424+1310_424+1313delinsTCAC (NM_001406722.1).
Identifiers: ClinVar variation 4629434 (VCV004629434.1).

ClinVar aggregate classification (germline): Uncertain significance (1 of 4 stars; one submission).

Conditions:
Hereditary cancer-predisposing syndrome. Also called: Neoplastic Syndromes, Hereditary; Tumor predisposition; Hereditary Cancer Syndrome; Hereditary neoplastic syndrome. Identifiers: Orphanet 140162, MedGen C0027672, MeSH D009386, MONDO:0015356.

Submission:

Ambry Genetics
Classification: Uncertain significance for Hereditary cancer-predisposing syndrome. Last evaluated: 2025-12-10. Review status: criteria provided, single submitter. Criteria: Ambry Variant Classification Scheme 2023. Collection method: clinical testing. Allele origin: germline.
Comment: The c.862_865delCCAAinsTCAC variant (also known as p.P288_N289delinsSH), located in coding exon 9 of the BRCA2 gene, results from an in-frame deletion of CCAA and insertion of TCAC at nucleotide positions 862 to 865. This results in the substitution of proline and asparagine residues for serine and histidine residues at codons 288 and 289. This amino acid region is not well conserved in available vertebrate species. In addition, the in silico prediction for this variant is inconclusive (Choi Y et al. PLoS ONE. 2012; 7(10):e46688). Based on the available evidence, the clinical significance of this variant remains unclear.